The following is an entry in ClinVar:

NM_001849.4(COL6A2):c.1046_1053+1del

Gene: COL6A2 (collagen type VI alpha 2 chain; plus strand). Cytogenetic location: 21q22.3.
Variant type: Deletion.
Coding change: c.1046_1053+1del on transcript NM_001849.4 (MANE Select); coding-DNA position 1046 through the canonical splice donor site of the intron after coding-DNA position 1053, 9 bases deleted (GAAACCGGG; older notation c.1046_1053+1delGAAACCGGG).
Molecular consequence: splice donor variant.
Genome position (GRCh38, 1-based): chr21:46,117,446-46,117,454, GAAACCGGG deleted; deleting any 9 consecutive bases within chr21:46,117,445-46,117,454 gives the same sequence; the c. name uses the placement nearest the transcript's 3' end. VCF-style (leftmost placement, unchanged base first): chr21-46117444-TGGAAACCGG-T. GRCh37 (hg19) VCF-style: chr21-47537358-TGGAAACCGG-T.
Other names: c.1046_1053+1del (NM_058175.3, NM_058174.3).
Identifiers: ClinVar variation 2099997 (VCV002099997.4), dbSNP rs2516998699, ClinGen allele CA2580099024.

ClinVar aggregate classification (germline): Uncertain significance (1 of 4 stars; one submission).

Conditions:
Bethlem myopathy 1A. Also called: MYOPATHY, BENIGN CONGENITAL, WITH CONTRACTURES; Bethlem myopathy 1; Bethlem Muscular Dystrophy. Identifiers: Orphanet 610, MedGen CN029274, MONDO:0024530, OMIM 158810.

Submission:

Labcorp Genetics (formerly Invitae), Labcorp
Classification: Uncertain significance for Bethlem myopathy 1A. Last evaluated: 2022-10-28. Review status: criteria provided, single submitter. Criteria: Invitae Variant Classification Sherloc (09022015). Collection method: clinical testing. Allele origin: germline.
Comment: In summary, the available evidence is currently insufficient to determine the role of this variant in disease. Therefore, it has been classified as a Variant of Uncertain Significance. This variant disrupts the triple helix domain of COL6A2. Glycine residues within the Gly-Xaa-Yaa repeats of the triple helix domain are required for the structure and stability of fibrillar collagens (PMID: 7695699, 8218237, 19344236). In COL6A2, missense variants at these glycine residues are significantly enriched in individuals with autosomal dominant disease (PMID: 15689448, 24038877) compared to the general population (ExAC). Variants that disrupt the consensus splice site are a relatively common cause of aberrant splicing (PMID: 17576681, 9536098). Algorithms developed to predict the effect of sequence changes on RNA splicing suggest that this variant may disrupt the consensus splice site. This variant is also known as c.1046_1053+1del. This variant has been observed in individual(s) with clinical features of autosomal dominant COL6A2-related conditions (Invitae). This variant is not present in population databases (gnomAD no frequency). This variant, c.1045_1053del, results in the deletion of 3 amino acid(s) of the COL6A2 protein (p.Asn350_Gly352del), but otherwise preserves the integrity of the reading frame. This variant also falls at the last nucleotide of exon 11, which is part of the consensus splice site for this exon.

Literature cited by the submitters: PubMed 7695699; PubMed 8218237; PubMed 19344236; PubMed 15689448; PubMed 24038877; PubMed 17576681; PubMed 9536098.